The following is an entry in ClinVar:

NM_006734.4(HIVEP2):c.4459C>T (p.Leu1487Phe)

Gene: HIVEP2 (HIVEP zinc finger 2; minus strand). Cytogenetic location: 6q24.2.
Variant type: single nucleotide variant.
Coding change: c.4459C>T on transcript NM_006734.4 (MANE Select); coding-DNA position 4459, C replaced by T.
Protein change: p.Leu1487Phe; replaces leucine 1487 with phenylalanine.
Molecular consequence: missense variant.
Genome position (GRCh38, 1-based): chr6:142,770,280, G>A on the plus strand (C>T on the coding strand, the complement: HIVEP2 is on the minus strand). VCF-style: chr6-142770280-G-A. GRCh37 (hg19) VCF-style: chr6-143091417-G-A.
Other names: short protein forms L1487F.
Identifiers: ClinVar variation 3364441 (VCV003364441.2).

ClinVar aggregate classification (germline): Uncertain significance (1 of 4 stars; one submission).

gnomAD v4.1: 10 of 1,614,170 alleles (0.00062%); highest among the groups gnomAD compares: Non-Finnish European, 0.00085%; no homozygotes.

Submission:

GeneDx
Classification: Uncertain significance. Last evaluated: 2025-07-02. Review status: criteria provided, single submitter. Criteria: GeneDx Variant Classification Process June 2021. Collection method: clinical testing. Allele origin: germline.
Comment: Not observed at significant frequency in large population cohorts (gnomAD); In silico analysis suggests that this missense variant does not alter protein structure/function; Has not been previously published as pathogenic or benign to our knowledge